The following is an entry in ClinVar:

NM_002878.4(RAD51D):c.480+6G>T

Genes: RAD51D (RAD51 paralog D; minus strand), RAD51L3-RFFL (RAD51L3-RFFL readthrough; minus strand). Cytogenetic location: 17q12.
Variant type: single nucleotide variant.
Coding change: c.480+6G>T on transcript NM_002878.4 (MANE Select); 6 bases into the intron after coding-DNA position 480, G replaced by T.
Molecular consequence: intron variant.
Genome position (GRCh38, 1-based): chr17:35,106,982, C>A on the plus strand (G>T on the coding strand, the complement: RAD51D is on the minus strand). VCF-style: chr17-35106982-C-A. GRCh37 (hg19) VCF-style: chr17-33434001-C-A.
Other names: c.145-501G>T (NM_133629.3); c.540+6G>T (NM_001142571.2).
Identifiers: ClinVar variation 3904062 (VCV003904062.1).

ClinVar aggregate classification (germline): Likely benign (1 of 4 stars; one submission).

Conditions:
Breast-ovarian cancer, familial, susceptibility to, 4. Identifiers: Orphanet 145, MedGen C3280345, MONDO:0013669, OMIM 614291.

Submission:

Myriad Genetics, Inc.
Classification: Likely benign for Breast-ovarian cancer, familial, susceptibility to, 4. Last evaluated: 2025-02-21. Review status: criteria provided, single submitter. Criteria: Myriad Autosomal Dominant, Autosomal Recessive and X-Linked Classification Criteria (2023). Collection method: clinical testing. Allele origin: unknown.
Comment: This variant is considered likely benign. This variant is intronic and is not expected to impact mRNA splicing.